The following is an entry in ClinVar:

ClinVar aggregate classification (germline): Conflicting classifications of pathogenicity. Review status: criteria provided, conflicting classifications (1 of 4 stars). 4 submissions from 4 submitters: Uncertain significance (3); Likely benign (1). Last evaluated 2025-12-10.

Conditions:
Inborn genetic diseases. Identifiers: MedGen C0950123, MeSH D030342.
KIF5A-related disorder. Also called: KIF5A-related condition; KIF5A-related disorders.
Spastic paraplegia. Identifiers: MedGen C0037772, HP:0001258.

Allele frequency attached by ClinVar (database versions not stated): ExAC 0.00002; gnomAD exomes 0.00002.
gnomAD v4.1: 33 of 1,613,862 alleles (0.002%); highest among the groups gnomAD compares: Middle Eastern, 0.016%; no homozygotes.

Submissions (4):

PreventionGenetics, part of Exact Sciences
Classification: Uncertain significance for KIF5A-related condition. Last evaluated: 2025-12-10. Review status: criteria provided, single submitter. Criteria: ACMG Guidelines, 2015. Collection method: clinical testing. Allele origin: germline.
Comment: The KIF5A c.1076C>T variant is predicted to result in the amino acid substitution p.Thr359Met. To our knowledge, this variant has not been reported in the literature in individuals with KIF5A-related disorders. This variant is reported in 0.0098% of alleles in individuals of South Asian descent in gnomAD. Although we suspect that this variant may be benign, at this time, the clinical significance of this variant is uncertain due to the absence of conclusive functional and genetic evidence.

Labcorp Genetics (formerly Invitae), Labcorp
Classification: Likely benign for Spastic paraplegia. Last evaluated: 2025-06-22. Review status: criteria provided, single submitter. Criteria: Invitae Variant Classification Sherloc (09022015). Collection method: clinical testing. Allele origin: germline.

Ambry Genetics
Classification: Uncertain significance for Inborn genetic diseases. Last evaluated: 2025-04-25. Review status: criteria provided, single submitter. Criteria: Ambry Variant Classification Scheme 2023. Collection method: clinical testing. Allele origin: germline.

Revvity Omics, Revvity
Classification: Uncertain significance. Last evaluated: 2020-04-03. Review status: criteria provided, single submitter. Criteria: ACMG Guidelines, 2015. Collection method: clinical testing. Allele origin: germline.

NM_004984.4(KIF5A):c.1076C>T (p.Thr359Met)

Gene: KIF5A (kinesin family member 5A; plus strand). Cytogenetic location: 12q13.3.
Variant type: single nucleotide variant.
Coding change: c.1076C>T on transcript NM_004984.4 (MANE Select); coding-DNA position 1076, C replaced by T.
Protein change: p.Thr359Met; replaces threonine 359 with methionine.
Molecular consequence: missense variant.
Genome position (GRCh38, 1-based): chr12:57,569,642, C>T. VCF-style: chr12-57569642-C-T. GRCh37 (hg19) VCF-style: chr12-57963425-C-T.
Other names: c.1076C>T (NM_004984.2); c.809C>T, p.Thr270Met (NM_001354705.2); short protein forms T270M, T359M.
Identifiers: ClinVar variation 1521010 (VCV001521010.11), dbSNP rs774586838, ClinGen allele CA6652742.